The following is an entry in ClinVar:

NM_203486.3(DLL3):c.619T>G (p.Cys207Gly)

Genes: DLL3 (delta like canonical Notch ligand 3; plus strand), LOC130064417 (ATAC-STARR-seq lymphoblastoid silent region 10608; plus strand). Cytogenetic location: 19q13.2.
Variant type: single nucleotide variant.
Coding change: c.619T>G on transcript NM_203486.3 (MANE Select); coding-DNA position 619, T replaced by G.
Protein change: p.Cys207Gly; replaces cysteine 207 with glycine.
Molecular consequence: missense variant.
Genome position (GRCh38, 1-based): chr19:39,503,024, T>G. VCF-style: chr19-39503024-T-G. GRCh37 (hg19) VCF-style: chr19-39993664-T-G.
Other names: c.619T>G, p.Cys207Gly (NM_016941.4); short protein forms C207G.
Identifiers: ClinVar variation 2417800 (VCV002417800.4), dbSNP rs1335766222, ClinGen allele CA405796175.

ClinVar aggregate classification (germline): Uncertain significance (1 of 4 stars; one submission).

gnomAD v4.1: 6 of 1,515,648 alleles (0.0004%); highest among the groups gnomAD compares: South Asian, 0.0049%; no homozygotes.

Submission:

Labcorp Genetics (formerly Invitae), Labcorp
Classification: Uncertain significance. Last evaluated: 2022-05-15. Review status: criteria provided, single submitter. Criteria: Invitae Variant Classification Sherloc (09022015). Collection method: clinical testing. Allele origin: germline.
Comment: This sequence change replaces cysteine, which is neutral and slightly polar, with glycine, which is neutral and non-polar, at codon 207 of the DLL3 protein (p.Cys207Gly). This variant is present in population databases (no rsID available, gnomAD 0.01%). This variant has not been reported in the literature in individuals affected with DLL3-related conditions. Algorithms developed to predict the effect of missense changes on protein structure and function are either unavailable or do not agree on the potential impact of this missense change (SIFT: "Deleterious"; PolyPhen-2: "Benign"; Align-GVGD: "Class C0"). In summary, the available evidence is currently insufficient to determine the role of this variant in disease. Therefore, it has been classified as a Variant of Uncertain Significance.